The following is an entry in ClinVar:

NM_000222.3(KIT):c.571G>C (p.Glu191Gln)

Gene: KIT (KIT proto-oncogene, receptor tyrosine kinase; plus strand). Cytogenetic location: 4q12.
Variant type: single nucleotide variant.
Coding change: c.571G>C on transcript NM_000222.3 (MANE Select); coding-DNA position 571, G replaced by C.
Protein change: p.Glu191Gln; replaces glutamic acid 191 with glutamine.
Molecular consequence: missense variant.
Genome position (GRCh38, 1-based): chr4:54,698,517, G>C. VCF-style: chr4-54698517-G-C. GRCh37 (hg19) VCF-style: chr4-55564683-G-C.
Other names: c.571G>C, p.Glu191Gln (NM_001093772.2, NM_001385284.1, NM_001385285.1 and 4 more transcripts); short protein forms E191Q.
Identifiers: ClinVar variation 838475 (VCV000838475.10), dbSNP rs1489233873, ClinGen allele CA356897980.
Genomic context (GRCh38, chr4:54,698,517, plus strand): 5'-ATGATCAAAAGTGTGAAACGCGCCTACCATCGGCTCTGTCTGCATTGTTCTGTGGACCAG[G>C]AGGGCAAGTCAGTGCTGTCGGAAAAATTCATCCTGAAAGTGAGGCCAGGTACTGGCTCTT-3'
Protein context (NP_000213.1, residues 181-201): RLCLHCSVDQ[Glu191Gln]GKSVLSEKFI

ClinVar aggregate classification (germline): Uncertain significance (1 of 4 stars; one submission).

Conditions:
Gastrointestinal stromal tumor. Also called: Gastrointestinal stromal tumor, somatic; Gastrointestinal stroma tumor. Identifiers: Orphanet 44890, MedGen C0238198, MeSH D046152, MONDO:0011719, OMIM 606764, HP:0100723.

Allele frequency attached by ClinVar (database versions not stated): gnomAD exomes below 0.00001.
gnomAD v4.1: 6 of 1,614,198 alleles (0.00037%); highest among the groups gnomAD compares: East Asian, 0.0022%; no homozygotes.

Submission:

Labcorp Genetics (formerly Invitae), Labcorp
Classification: Uncertain significance for Gastrointestinal stromal tumor. Last evaluated: 2019-01-18. Review status: criteria provided, single submitter. Criteria: Invitae Variant Classification Sherloc (09022015). Collection method: clinical testing. Allele origin: germline.
Comment: This sequence change replaces glutamic acid with glutamine at codon 191 of the KIT protein (p.Glu191Gln). The glutamic acid residue is weakly conserved and there is a small physicochemical difference between glutamic acid and glutamine. In summary, the available evidence is currently insufficient to determine the role of this variant in disease. Therefore, it has been classified as a Variant of Uncertain Significance. Algorithms developed to predict the effect of missense changes on protein structure and function (SIFT, PolyPhen-2, Align-GVGD) all suggest that this variant is likely to be tolerated, but these predictions have not been confirmed by published functional studies and their clinical significance is uncertain. This variant has not been reported in the literature in individuals with KIT-related conditions. This variant is not present in population databases (ExAC no frequency).